The following is an entry in ClinVar:

ClinVar aggregate classification (germline): Uncertain significance (1 of 4 stars; one submission).

Submission:

Labcorp Genetics (formerly Invitae), Labcorp
Classification: Uncertain significance. Last evaluated: 2025-05-27. Review status: criteria provided, single submitter. Criteria: Invitae Variant Classification Sherloc (09022015). Collection method: clinical testing. Allele origin: germline.
Comment: This sequence change replaces threonine, which is neutral and polar, with serine, which is neutral and polar, at codon 236 of the FH protein (p.Thr236Ser). This variant is not present in population databases (gnomAD no frequency). This variant has not been reported in the literature in individuals affected with FH-related conditions. Invitae Evidence Modeling of protein sequence and biophysical properties (such as structural, functional, and spatial information, amino acid conservation, physicochemical variation, residue mobility, and thermodynamic stability) indicates that this missense variant is expected to disrupt FH protein function with a positive predictive value of 95%. In summary, the available evidence is currently insufficient to determine the role of this variant in disease. Therefore, it has been classified as a Variant of Uncertain Significance.

NM_000143.4(FH):c.707C>G (p.Thr236Ser)

Gene: FH (fumarate hydratase; minus strand). Cytogenetic location: 1q43.
Variant type: single nucleotide variant.
Coding change: c.707C>G on transcript NM_000143.4 (MANE Select); coding-DNA position 707, C replaced by G.
Protein change: p.Thr236Ser; replaces threonine 236 with serine.
Molecular consequence: missense variant.
Genome position (GRCh38, 1-based): chr1:241,508,634, G>C on the plus strand (C>G on the coding strand, the complement: FH is on the minus strand). VCF-style: chr1-241508634-G-C. GRCh37 (hg19) VCF-style: chr1-241671934-G-C.
Other names: short protein forms T236S.
Identifiers: ClinVar variation 4745923 (VCV004745923.1).